The following is an entry in ClinVar:

ClinVar aggregate classification (germline): Uncertain significance (1 of 4 stars; one submission).

Submission:

GeneDx
Classification: Uncertain significance. Last evaluated: 2025-09-16. Review status: criteria provided, single submitter. Criteria: GeneDx Variant Classification Process June 2021. Collection method: clinical testing. Allele origin: germline. Affected: yes.
Comment: Not observed at significant frequency in large population cohorts (gnomAD); In silico analysis supports that this missense variant has a deleterious effect on protein structure/function; Has not been previously published as pathogenic or benign to our knowledge

NM_001393769.1(MED12L):c.3512T>C (p.Phe1171Ser)

Genes: MED12L (mediator complex subunit 12L; plus strand), P2RY12 (purinergic receptor P2Y12; minus strand). Cytogenetic location: 3q25.1.
Variant type: single nucleotide variant.
Coding change: c.3512T>C on transcript NM_001393769.1 (MANE Select); coding-DNA position 3512, T replaced by C.
Protein change: p.Phe1171Ser; replaces phenylalanine 1171 with serine.
Molecular consequence: missense variant. On other transcripts: intron variant (1).
Genome position (GRCh38, 1-based): chr3:151,368,213, T>C. VCF-style: chr3-151368213-T-C. GRCh37 (hg19) VCF-style: chr3-151086001-T-C.
Other names: c.3407T>C, p.Phe1136Ser (NM_053002.6); c.-180+16479A>G (NM_022788.5); short protein forms F1136S, F1171S.
Identifiers: ClinVar variation 4813416 (VCV004813416.1).
Genomic context (GRCh38, chr3:151,368,213, plus strand): 5'-GTGGGGATGCGGACGCCGAGCCTGGGGCGAGAATGACATGCCGACTCTTGCTTCATCTCT[T>C]CCGAGCTCCCCAGGCCTGCTTCTTACCTCAAGCAACGGGTGAGCTGACTGCAGAAAAATC-3'
Protein context (NP_001380698.1, residues 1161-1181): RMTCRLLLHL[Phe1171Ser]RAPQACFLPQ